The following is an entry in ClinVar:

NM_001377265.1(MAPT):c.10C>A (p.Pro4Thr)

Gene: MAPT (microtubule associated protein tau). Cytogenetic location: 17q21.31.
Variant type: single nucleotide variant.
Coding change: c.10C>A on transcript NM_001377265.1 (MANE Select); coding-DNA position 10, C replaced by A.
Protein change: p.Pro4Thr; replaces proline 4 with threonine.
Molecular consequence: missense variant. On other transcripts: non-coding transcript variant (1).
Genome position (GRCh38, 1-based): chr17:45,962,347, C>A. VCF-style: chr17-45962347-C-A. GRCh37 (hg19) VCF-style: chr17-44039713-C-A.
Other names: c.10C>A, p.Pro4Thr (NM_001123066.4, NM_001123067.4, NM_001203251.2 and 8 more transcripts); short protein forms P4T.
Identifiers: ClinVar variation 1345546 (VCV001345546.7), dbSNP rs974837695, ClinGen allele CA291105330.

ClinVar aggregate classification (germline): Uncertain significance. Review status: criteria provided, multiple submitters, no conflicts (2 of 4 stars). 2 submissions from 2 submitters: Uncertain significance (2). Last evaluated 2025-10-25.

Conditions:
Frontotemporal dementia (FTD1). Also called: Dementia, frontotemporal, with or without parkinsonism; WILHELMSEN-LYNCH DISEASE; FRONTOTEMPORAL DEMENTIA WITH PARKINSONISM; FRONTOTEMPORAL LOBE DEMENTIA; MULTIPLE SYSTEM TAUOPATHY WITH PRESENILE DEMENTIA; Frontotemporal Dementia with Parkinsonism-17 (FTDP-17). Identifiers: Orphanet 282, MedGen C0338451, MONDO:0017276, OMIM 600274, HP:0002145.
Parkinson disease, late-onset (PD). Also called: PARKINSON DISEASE, LATE-ONSET, SUSCEPTIBILITY TO; Hereditary late onset Parkinson disease; Susceptibility to Parkinson's Disease. Identifiers: Orphanet 411602, MedGen C3160718, MONDO:0008199, OMIM 168600.
Progressive supranuclear palsy-parkinsonism syndrome. Also called: Progressive supranuclear palsy atypical; Atypical PSP; PARKINSON-DEMENTIA SYNDROME; Supranuclear palsy, progressive, 1, atypical. Identifiers: Orphanet 240085, Orphanet 683, Orphanet 99750, MedGen C1850077, MONDO:0009839, OMIM 260540.
Pick disease. Also called: Pick's disease; DEMENTIA WITH LOBAR ATROPHY AND NEURONAL CYTOPLASMIC INCLUSIONS; PICK DISEASE OF BRAIN; LOBAR ATROPHY OF BRAIN; Pick Disease of the Brain. Identifiers: Orphanet 282, MedGen C0236642, MONDO:0008243, OMIM 172700.
Supranuclear palsy, progressive, 1 (PSNP1). Also called: STEELE-RICHARDSON-OLSZEWSKI SYNDROME. Identifiers: Orphanet 240071, MedGen C4551863, MONDO:0010997, OMIM 601104.

Allele frequency attached by ClinVar (database versions not stated): gnomAD exomes 0.00001; gnomAD 0.00004; TOPMed 0.00011.
gnomAD v4.1: 20 of 1,611,828 alleles (0.0012%); highest among the groups gnomAD compares: Admixed American, 0.01%; no homozygotes.

Submissions (2):

Labcorp Genetics (formerly Invitae), Labcorp
Classification: Uncertain significance for Frontotemporal dementia. Last evaluated: 2025-10-25. Review status: criteria provided, single submitter. Criteria: Invitae Variant Classification Sherloc (09022015). Collection method: clinical testing. Allele origin: germline.
Comment: This sequence change replaces proline, which is neutral and non-polar, with threonine, which is neutral and polar, at codon 4 of the MAPT protein (p.Pro4Thr). This variant is present in population databases (no rsID available, gnomAD no frequency). This variant has not been reported in the literature in individuals affected with MAPT-related conditions. ClinVar contains an entry for this variant (Variation ID: 1345546). An algorithm developed to predict the effect of missense changes on protein structure and function (PolyPhen-2) suggests that this variant is likely to be disruptive. In summary, the available evidence is currently insufficient to determine the role of this variant in disease. Therefore, it has been classified as a Variant of Uncertain Significance.

Fulgent Genetics
Classification: Uncertain significance for Parkinson disease, late-onset; Pick disease; Progressive supranuclear palsy-parkinsonism syndrome; Frontotemporal dementia; Supranuclear palsy, progressive, 1. Last evaluated: 2021-10-08. Review status: criteria provided, single submitter. Criteria: ACMG Guidelines, 2015. Collection method: clinical testing. Allele origin: unknown.